The following is an entry in ClinVar:

NM_004329.3(BMPR1A):c.676-19T>C

Gene: BMPR1A (bone morphogenetic protein receptor type 1A; plus strand). Cytogenetic location: 10q23.2.
Variant type: single nucleotide variant.
Coding change: c.676-19T>C on transcript NM_004329.3 (MANE Select); 19 bases into the intron before coding-DNA position 676, T replaced by C.
Molecular consequence: intron variant.
Genome position (GRCh38, 1-based): chr10:86,917,115, T>C. VCF-style: chr10-86917115-T-C. GRCh37 (hg19) VCF-style: chr10-88676872-T-C.
Other names: c.676-19T>C (NM_001406562.1, NM_001406568.1, NM_001406567.1 and 19 more transcripts); c.592-19T>C (NM_001406584.1, NM_001406588.1, NM_001406587.1 and 2 more transcripts); c.724-19T>C (NM_001406560.1); c.751-19T>C (NM_001406559.1); c.676-25T>C (NM_001406583.1); c.334-19T>C (NM_001406589.1).
Identifiers: ClinVar variation 3379354 (VCV003379354.1).

ClinVar aggregate classification (germline): Likely benign (1 of 4 stars; one submission).

Conditions:
Juvenile polyposis syndrome (JPS). Identifiers: Orphanet 2929, MedGen C0345893, MONDO:0017380, OMIM 174900.

Submission:

Myriad Genetics, Inc.
Classification: Likely benign for Juvenile polyposis syndrome. Last evaluated: 2024-08-02. Review status: criteria provided, single submitter. Criteria: Myriad Autosomal Dominant, Autosomal Recessive and X-Linked Classification Criteria (2023). Collection method: clinical testing. Allele origin: unknown.
Comment: This variant is considered likely benign. This variant is intronic and is not expected to impact mRNA splicing.